The following is an entry in ClinVar:

ClinVar aggregate classification (germline): Uncertain significance (1 of 4 stars; one submission).

Conditions:
Microcephaly, normal intelligence and immunodeficiency (NBS). Also called: BERLIN BREAKAGE SYNDROME; Immunodeficiency, microcephaly with normal intelligence; Nijmegen breakage syndrome; Microcephaly with normal intelligence immunodeficiency and lymphoreticular malignancies; Nonsyndromal microcephaly autosomal recessive with normal intelligence; Seemanova syndrome 2. Identifiers: Orphanet 647, MedGen C0398791, MONDO:0009623, OMIM 251260.

Submission:

Labcorp Genetics (formerly Invitae), Labcorp
Classification: Uncertain significance for Microcephaly, normal intelligence and immunodeficiency. Last evaluated: 2021-11-12. Review status: criteria provided, single submitter. Criteria: Invitae Variant Classification Sherloc (09022015). Collection method: clinical testing. Allele origin: germline.
Comment: In summary, the available evidence is currently insufficient to determine the role of this variant in disease. Therefore, it has been classified as a Variant of Uncertain Significance. Algorithms developed to predict the effect of missense changes on protein structure and function are either unavailable or do not agree on the potential impact of this missense change (SIFT: "Deleterious"; PolyPhen-2: "Probably Damaging"; Align-GVGD: "Class C0"). This variant has not been reported in the literature in individuals affected with NBN-related conditions. This variant is not present in population databases (gnomAD no frequency). This sequence change replaces glutamic acid, which is acidic and polar, with valine, which is neutral and non-polar, at codon 307 of the NBN protein (p.Glu307Val).

NM_002485.5(NBN):c.920A>T (p.Glu307Val)

Gene: NBN (nibrin; minus strand). Cytogenetic location: 8q21.3.
Variant type: single nucleotide variant.
Coding change: c.920A>T on transcript NM_002485.5 (MANE Select); coding-DNA position 920, A replaced by T.
Protein change: p.Glu307Val; replaces glutamic acid 307 with valine.
Molecular consequence: missense variant.
Genome position (GRCh38, 1-based): chr8:89,964,484, T>A on the plus strand (A>T on the coding strand, the complement: NBN is on the minus strand). VCF-style: chr8-89964484-T-A. GRCh37 (hg19) VCF-style: chr8-90976712-T-A.
Other names: c.674A>T, p.Glu225Val (NM_001024688.3); short protein forms E307V, E225V.
Identifiers: ClinVar variation 1470421 (VCV001470421.6), dbSNP rs2129786912, ClinGen allele CA371657084.